The following is an entry in ClinVar:

NM_000412.5(HRG):c.72C>A (p.Cys24Ter)

Gene: HRG (histidine rich glycoprotein; plus strand). Cytogenetic location: 3q27.3.
Variant type: single nucleotide variant.
Coding change: c.72C>A on transcript NM_000412.5 (MANE Select); coding-DNA position 72, C replaced by A.
Protein change: p.Cys24Ter; replaces cysteine 24 with a stop codon.
Molecular consequence: nonsense.
Genome position (GRCh38, 1-based): chr3:186,666,103, C>A. VCF-style: chr3-186666103-C-A. GRCh37 (hg19) VCF-style: chr3-186383892-C-A.
Other names: short protein forms C24*.
Identifiers: ClinVar variation 1676737 (VCV001676737.1), dbSNP rs148593044, ClinGen allele CA2745531.

ClinVar aggregate classification (germline): Uncertain significance (1 of 4 stars; one submission).

Conditions:
Hereditary thrombophilia due to congenital histidine-rich (poly-L) glycoprotein deficiency. Also called: THROMBOPHILIA DUE TO HISTIDINE-RICH GLYCOPROTEIN DEFICIENCY; Thrombophilia due to HRG deficiency. Identifiers: Orphanet 217467, MedGen C2751090, MONDO:0013143, OMIM 613116.

Allele frequency attached by ClinVar (database versions not stated): TOPMed 0.00008; ExAC 0.00009; gnomAD exomes 0.00011; gnomAD 0.00018 and 0.00019.
gnomAD v4.1: 195 of 1,614,056 alleles (0.012%); highest among the groups gnomAD compares: Non-Finnish European, 0.014%; no homozygotes.

Submission:

ISTH-SSC Genomics in Thrombosis and Hemostasis, KU Leuven, Center for Molecular and Vascular Biology
Classification: Uncertain significance for Hereditary thrombophilia due to congenital histidine-rich (poly-L) glycoprotein deficiency. Review status: criteria provided, single submitter. Criteria: ACMG Guidelines, 2015. Collection method: clinical testing. Allele origin: unknown. Affected: yes.
Comment: Submitted to GoldVariant by Kathleen Freson, Center for Molecular and Vascular Biology, Leuven, Belgium

Literature cited by the submitters: PubMed 34355501.